The following is an entry in ClinVar:

NM_000138.5(FBN1):c.2986T>A (p.Cys996Ser)

Gene: FBN1 (fibrillin 1; minus strand). Cytogenetic location: 15q21.1.
Variant type: single nucleotide variant.
Coding change: c.2986T>A on transcript NM_000138.5 (MANE Select); coding-DNA position 2986, T replaced by A.
Protein change: p.Cys996Ser; replaces cysteine 996 with serine.
Molecular consequence: missense variant.
Genome position (GRCh38, 1-based): chr15:48,489,947, A>T on the plus strand (T>A on the coding strand, the complement: FBN1 is on the minus strand). VCF-style: chr15-48489947-A-T. GRCh37 (hg19) VCF-style: chr15-48782144-A-T.
Other names: short protein forms C996S.
Identifiers: ClinVar variation 858220 (VCV000858220.10), dbSNP rs140592, ClinGen allele CA392329224.

ClinVar aggregate classification (germline): Pathogenic (1 of 4 stars; one submission).

Conditions:
Familial thoracic aortic aneurysm and aortic dissection (TAAD). Also called: Thoracic aortic aneurysms and dissections. Identifiers: Orphanet 91387, MedGen C4707243, MONDO:0019625.
Marfan syndrome (MFS). Also called: FBN1-Related Marfan Syndrome; Marfan's syndrome; MARFAN SYNDROME, TYPE I; Marfan syndrome type 1; Marfan syndrome, classic. Identifiers: Orphanet 284963, Orphanet 558, MedGen C0024796, MONDO:0007947, OMIM 154700.

Submission:

Labcorp Genetics (formerly Invitae), Labcorp
Classification: Pathogenic for Marfan syndrome; Familial thoracic aortic aneurysm and aortic dissection. Last evaluated: 2020-03-04. Review status: criteria provided, single submitter. Criteria: Invitae Variant Classification Sherloc (09022015). Collection method: clinical testing. Allele origin: germline.
Comment: This variant is not present in population databases (ExAC no frequency). For these reasons, this variant has been classified as Pathogenic. This variant affects a cysteine residue in the EGF-like, TGFBP or hybrid motif domains of FBN1. Cysteine residues are believed to be involved in intramolecular disulfide bridges and have been shown to be important for FBN1 protein structure (PMID: 16905551, 19349279). In addition, missense substitutions affecting cysteine residues within these domains are significantly overrepresented among patients with Marfan syndrome (PMID: 16571647, 17701892). This variant disrupts the p.Cys996 amino acid residue in FBN1. Other variant(s) that disrupt this residue have been observed in individuals with FBN1-related conditions (PMID: 25652356, 27611364, 9399842), which suggests that this may be a clinically significant amino acid residue. This variant has been observed in individual(s) with clinical features of Marfan syndrome (Invitae). In at least one individual the variant was observed to be de novo. This sequence change replaces cysteine with serine at codon 996 of the FBN1 protein (p.Cys996Ser). The cysteine residue is highly conserved and there is a moderate physicochemical difference between cysteine and serine.

Literature cited by the submitters: PubMed 16905551; PubMed 19349279; PubMed 16571647; PubMed 17701892; PubMed 25652356; PubMed 27611364; PubMed 9399842.